The following is an entry in ClinVar:

ClinVar aggregate classification (germline): Uncertain significance. Review status: criteria provided, multiple submitters, no conflicts (2 of 4 stars). 4 submissions from 4 submitters: Uncertain significance (4). Last evaluated 2024-08-01.

Conditions:
ALG9 congenital disorder of glycosylation (CDG1L). Also called: CDG Il; ALG9-CDG; CONGENITAL DISORDER OF GLYCOSYLATION, TYPE Il. Identifiers: Orphanet 79328, MedGen C2931006, MONDO:0012117, OMIM 608776.
Gillessen-Kaesbach-Nishimura syndrome (GIKANIS). Identifiers: MedGen C1849762, MONDO:0009890, OMIM 263210.

Allele frequency attached by ClinVar (database versions not stated): ExAC 0.00003; TOPMed 0.00003; gnomAD 0.00004; gnomAD exomes 0.00006.
gnomAD v4.1: 96 of 1,614,014 alleles (0.0059%); highest among the groups gnomAD compares: Non-Finnish European, 0.0075%; no homozygotes.

Submissions (4):

CeGaT Center for Human Genetics Tuebingen
Classification: Uncertain significance. Last evaluated: 2024-08-01. Review status: criteria provided, single submitter. Criteria: CeGaT Center For Human Genetics Tuebingen Variant Classification Criteria Version 2. Collection method: clinical testing. Allele origin: germline. Affected: yes. Observed: 1 variant allele.
Comment: ALG9: PM2

Fulgent Genetics
Classification: Uncertain significance for Gillessen-Kaesbach-Nishimura syndrome; ALG9 congenital disorder of glycosylation. Last evaluated: 2024-06-19. Review status: criteria provided, single submitter. Criteria: ACMG Guidelines, 2015. Collection method: clinical testing. Allele origin: germline.

Labcorp Genetics (formerly Invitae), Labcorp
Classification: Uncertain significance for ALG9 congenital disorder of glycosylation. Last evaluated: 2023-09-29. Review status: criteria provided, single submitter. Criteria: Invitae Variant Classification Sherloc (09022015). Collection method: clinical testing. Allele origin: germline.
Comment: In summary, the available evidence is currently insufficient to determine the role of this variant in disease. Therefore, it has been classified as a Variant of Uncertain Significance. Experimental studies and prediction algorithms are not available or were not evaluated, and the functional significance of this variant is currently unknown. ClinVar contains an entry for this variant (Variation ID: 1807449). This variant has not been reported in the literature in individuals affected with ALG9-related conditions. This variant is present in population databases (rs782330121, gnomAD 0.006%). This sequence change replaces phenylalanine, which is neutral and non-polar, with leucine, which is neutral and non-polar, at codon 590 of the ALG9 protein (p.Phe590Leu).

Athena Diagnostics
Classification: Uncertain significance. Last evaluated: 2021-06-11. Review status: criteria provided, single submitter. Criteria: Athena Diagnostics Criteria. Collection method: clinical testing. Allele origin: unknown.

NM_024740.2(ALG9):c.1768T>C (p.Phe590Leu)

Gene: ALG9 (ALG9 alpha-1,2-mannosyltransferase; minus strand). Cytogenetic location: 11q23.1.
Variant type: single nucleotide variant.
Coding change: c.1768T>C on transcript NM_024740.2 (MANE Select); coding-DNA position 1768, T replaced by C.
Protein change: p.Phe590Leu; replaces phenylalanine 590 with leucine.
Molecular consequence: missense variant. On other transcripts: 3 prime UTR variant (2), non-coding transcript variant (1).
Genome position (GRCh38, 1-based): chr11:111,786,486, A>G on the plus strand (T>C on the coding strand, the complement: ALG9 is on the minus strand). VCF-style: chr11-111786486-A-G. GRCh37 (hg19) VCF-style: chr11-111657210-A-G.
Other names: c.1747T>C, p.Phe583Leu (NM_001077690.1, NM_001352417.1); c.1255T>C, p.Phe419Leu (NM_001077691.2, NM_001352413.1, NM_001352414.2 and 1 more transcripts); c.1234T>C, p.Phe412Leu (NM_001077692.2, NM_001352409.1, NM_001352410.1 and 4 more transcripts); c.1624T>C, p.Phe542Leu (NM_001352418.1); c.*40T>C (NM_001352420.2); c.*34T>C (NM_001352421.2); c.1159T>C, p.Phe387Leu (NM_001352422.2); c.1111T>C, p.Phe371Leu (NM_001352423.2); short protein forms F371L, F387L, F412L, F419L, F542L, F583L, F590L.
Identifiers: ClinVar variation 1807449 (VCV001807449.21), dbSNP rs782330121, ClinGen allele CA6274302.